The following is an entry in ClinVar:

ClinVar aggregate classification (germline): Uncertain significance (1 of 4 stars; one submission).

Allele frequency attached by ClinVar (database versions not stated): gnomAD exomes below 0.00001; ExAC 0.00001; gnomAD 0.00001; 1000 Genomes Project 30x 0.00016.
gnomAD v4.1: 7 of 1,613,732 alleles (0.00043%); highest among the groups gnomAD compares: East Asian, 0.016%; no homozygotes.

Submission:

Ambry Genetics
Classification: Uncertain significance. Last evaluated: 2021-08-30. Review status: criteria provided, single submitter. Criteria: Ambry Variant Classification Scheme 2023. Collection method: clinical testing. Allele origin: germline.
Comment: The p.K1397E variant (also known as c.4189A>G), located in coding exon 17 of the NPAT gene, results from an A to G substitution at nucleotide position 4189. The lysine at codon 1397 is replaced by glutamic acid, an amino acid with similar properties. This amino acid position is conserved. In addition, this alteration is predicted to be tolerated by in silico analysis. Since supporting evidence is limited at this time, the clinical significance of this alteration remains unclear.

NM_002519.3(NPAT):c.4189A>G (p.Lys1397Glu)

Gene: NPAT (nuclear protein, coactivator of histone transcription; minus strand). Cytogenetic location: 11q22.3.
Variant type: single nucleotide variant.
Coding change: c.4189A>G on transcript NM_002519.3 (MANE Select); coding-DNA position 4189, A replaced by G.
Protein change: p.Lys1397Glu; replaces lysine 1397 with glutamic acid.
Molecular consequence: missense variant.
Genome position (GRCh38, 1-based): chr11:108,160,897, T>C on the plus strand (A>G on the coding strand, the complement: NPAT is on the minus strand). VCF-style: chr11-108160897-T-C. GRCh37 (hg19) VCF-style: chr11-108031624-T-C.
Other names: c.4210A>G, p.Lys1404Glu (NM_001321307.1); short protein forms K1397E, K1404E.
Identifiers: ClinVar variation 1738546 (VCV001738546.2), dbSNP rs761486605, ClinGen allele CA6263461.